The following is an entry in ClinVar:

NM_001330078.2(NRXN1):c.4292C>T (p.Thr1431Met)

Gene: NRXN1 (neurexin 1; minus strand). Cytogenetic location: 2p16.3.
Variant type: single nucleotide variant.
Coding change: c.4292C>T on transcript NM_001330078.2 (MANE Select); coding-DNA position 4292, C replaced by T.
Protein change: p.Thr1431Met; replaces threonine 1431 with methionine.
Molecular consequence: missense variant.
Genome position (GRCh38, 1-based): chr2:49,922,176, G>A on the plus strand (C>T on the coding strand, the complement: NRXN1 is on the minus strand). VCF-style: chr2-49922176-G-A. GRCh37 (hg19) VCF-style: chr2-50149314-G-A.
Other names: c.4412C>T, p.Thr1471Met (NM_001135659.3); c.197C>T, p.Thr66Met (NM_001320156.4); c.188C>T, p.Thr63Met (NM_001320157.4); c.4268C>T, p.Thr1423Met (NM_001330077.2); c.4259C>T, p.Thr1420Met (NM_001330082.2); c.4127C>T, p.Thr1376Met (NM_001330083.2); c.4226C>T, p.Thr1409Met (NM_001330084.2); c.4265C>T, p.Thr1422Met (NM_001330085.2); and 13 more; short protein forms T1384M, T1423M, T1428M, T1430M, T1364M, T1371M, T1401M, T1409M.
Identifiers: ClinVar variation 1392062 (VCV001392062.7), dbSNP rs201871400, ClinGen allele CA47801023.

ClinVar aggregate classification (germline): Uncertain significance. Review status: criteria provided, multiple submitters, no conflicts (2 of 4 stars). 2 submissions from 2 submitters: Uncertain significance (2). Last evaluated 2025-05-08.

Conditions:
Pitt-Hopkins-like syndrome 2 (PTHSL2). Identifiers: Orphanet 221150, Orphanet 600663, MedGen C3280479, MONDO:0013690, OMIM 614325.
NRXN1-related disorder.

Allele frequency attached by ClinVar (database versions not stated): gnomAD exomes below 0.00001; TOPMed 0.00002.

Submissions (2):

PreventionGenetics, part of Exact Sciences
Classification: Uncertain significance for NRXN1-related condition. Last evaluated: 2025-05-08. Review status: criteria provided, single submitter. Criteria: ACMG Guidelines, 2015. Collection method: clinical testing. Allele origin: germline.
Comment: The NRXN1 c.4412C>T variant is predicted to result in the amino acid substitution p.Thr1471Met. To our knowledge, this variant has not been reported in the literature or in a large population database (gnomAD), indicating this variant is rare. At this time, the clinical significance of this variant is uncertain due to the absence of conclusive functional and genetic evidence.

Labcorp Genetics (formerly Invitae), Labcorp
Classification: Uncertain significance for Pitt-Hopkins-like syndrome 2. Last evaluated: 2023-12-09. Review status: criteria provided, single submitter. Criteria: Invitae Variant Classification Sherloc (09022015). Collection method: clinical testing. Allele origin: germline.
Comment: This sequence change replaces threonine, which is neutral and polar, with methionine, which is neutral and non-polar, at codon 1471 of the NRXN1 protein (p.Thr1471Met). This variant is not present in population databases (gnomAD no frequency). This variant has not been reported in the literature in individuals affected with NRXN1-related conditions. ClinVar contains an entry for this variant (Variation ID: 1392062). Advanced modeling of protein sequence and biophysical properties (such as structural, functional, and spatial information, amino acid conservation, physicochemical variation, residue mobility, and thermodynamic stability) performed at Invitae indicates that this missense variant is not expected to disrupt NRXN1 protein function with a negative predictive value of 80%. In summary, the available evidence is currently insufficient to determine the role of this variant in disease. Therefore, it has been classified as a Variant of Uncertain Significance.